The following is an entry in ClinVar:

NM_000755.5(CRAT):c.901C>G (p.Arg301Gly)

Gene: CRAT (carnitine O-acetyltransferase; minus strand). Cytogenetic location: 9q34.11.
Variant type: single nucleotide variant.
Coding change: c.901C>G on transcript NM_000755.5 (MANE Select); coding-DNA position 901, C replaced by G.
Protein change: p.Arg301Gly; replaces arginine 301 with glycine.
Molecular consequence: missense variant.
Genome position (GRCh38, 1-based): chr9:129,100,594, G>C on the plus strand (C>G on the coding strand, the complement: CRAT is on the minus strand). VCF-style: chr9-129100594-G-C. GRCh37 (hg19) VCF-style: chr9-131862873-G-C.
Other names: c.901C>G, p.Arg301Gly (NM_001346547.2); c.838C>G, p.Arg280Gly (NM_001346548.2, NM_004003.4, NM_001257363.3); c.781C>G, p.Arg261Gly (NM_001346549.2); c.904C>G, p.Arg302Gly (NM_001346546.2); short protein forms R261G, R280G, R301G, R302G.
Identifiers: ClinVar variation 3605661 (VCV003605661.2).
Genomic context (GRCh38, chr9:129,100,594, plus strand): 5'-GGTTGCCGCTGTTGAGCCTGCTGCCGCCCCCATGCAGCATCTGGCCTGCCACGTGGCTGC[G>C]GTACACGTCTTCTGAGACCCTGGGCATGGTTGCATCTAGGCACACGGTGAAGATGCTCTT-3'
Protein context (NP_000746.3, residues 291-311): TMPRVSEDVY[Arg301Gly]SHVAGQMLHG

ClinVar aggregate classification (germline): Uncertain significance (1 of 4 stars; one submission).

gnomAD v4.1: 13 of 1,613,874 alleles (0.00081%); highest among the groups gnomAD compares: East Asian, 0.027%; no homozygotes.

Submission:

Labcorp Genetics (formerly Invitae), Labcorp
Classification: Uncertain significance. Last evaluated: 2025-08-04. Review status: criteria provided, single submitter. Criteria: Invitae Variant Classification Sherloc (09022015). Collection method: clinical testing. Allele origin: germline.
Comment: This sequence change replaces arginine, which is basic and polar, with glycine, which is neutral and non-polar, at codon 301 of the CRAT protein (p.Arg301Gly). This variant is present in population databases (rs199817861, gnomAD 0.07%), and has an allele count higher than expected for a pathogenic variant. This variant has not been reported in the literature in individuals affected with CRAT-related conditions. ClinVar contains an entry for this variant (Variation ID: 3605661). An algorithm developed to predict the effect of missense changes on protein structure and function (PolyPhen-2) suggests that this variant is likely to be tolerated. In summary, the available evidence is currently insufficient to determine the role of this variant in disease. Therefore, it has been classified as a Variant of Uncertain Significance.